The following is an entry in ClinVar:

NM_020937.4(FANCM):c.2127G>A (p.Gln709=)

Gene: FANCM (FA complementation group M; plus strand). Cytogenetic location: 14q21.2.
Variant type: single nucleotide variant.
Coding change: c.2127G>A on transcript NM_020937.4 (MANE Select); coding-DNA position 2127, G replaced by A.
Protein change: p.Gln709=; no amino-acid change (glutamine 709 retained).
Molecular consequence: synonymous variant.
Genome position (GRCh38, 1-based): chr14:45,170,713, G>A. VCF-style: chr14-45170713-G-A. GRCh37 (hg19) VCF-style: chr14-45639916-G-A.
Other names: c.2049G>A, p.Gln683= (NM_001308133.2); c.2127G>A (NM_020937.3).
Identifiers: ClinVar variation 696017 (VCV000696017.21), dbSNP rs141452622, ClinGen allele CA7169235.

ClinVar aggregate classification (germline): Likely benign. Review status: criteria provided, multiple submitters, no conflicts (2 of 4 stars). 6 submissions from 6 submitters: Likely benign (5). 1 of the submissions does not count toward it. Last evaluated 2026-03-01.

Conditions:
FANCM-related disorder. Also called: FANCM-related condition.
Inborn genetic diseases. Identifiers: MedGen C0950123, MeSH D030342.
Fanconi anemia (FA). Also called: Fanconi's anemia. Identifiers: Orphanet 84, MedGen C0015625, MeSH D005199, MONDO:0019391.

Allele frequency attached by ClinVar (database versions not stated): gnomAD exomes 0.00003 and 0.00010; ExAC 0.00010; 1000 Genomes Project 30x 0.00031; gnomAD 0.00039; 1000 Genomes Project 0.00040; ESP Exome Variant Server 0.00046; TOPMed 0.00058.

Submissions (6):

CeGaT Center for Human Genetics Tuebingen
Classification: Likely benign. Last evaluated: 2026-03-01. Review status: criteria provided, single submitter. Criteria: CeGaT Center For Human Genetics Tuebingen Variant Classification Criteria Version 2. Collection method: clinical testing. Allele origin: germline. Affected: yes. Observed: 1 variant allele.
Comment: FANCM: BP4, BP7

Labcorp Genetics (formerly Invitae), Labcorp
Classification: Likely benign for Fanconi anemia. Last evaluated: 2026-01-20. Review status: criteria provided, single submitter. Criteria: Invitae Variant Classification Sherloc (09022015). Collection method: clinical testing. Allele origin: germline.

Ambry Genetics
Classification: Likely benign for Inborn genetic diseases. Last evaluated: 2024-10-04. Review status: criteria provided, single submitter. Criteria: Ambry Variant Classification Scheme 2023. Collection method: clinical testing. Allele origin: germline.

Blueprint Genetics
Classification: Likely benign. Last evaluated: 2024-07-02. Review status: criteria provided, single submitter. Criteria: ACMG Guidelines, 2015. Collection method: clinical testing. Allele origin: germline.

GeneDx
Classification: Likely benign. Last evaluated: 2021-02-05. Review status: criteria provided, single submitter. Criteria: GeneDx Variant Classification Process June 2021. Collection method: clinical testing. Allele origin: germline. Affected: yes.

PreventionGenetics, part of Exact Sciences
Classification: Likely benign for FANCM-related condition. Last evaluated: 2022-08-11. Review status: no assertion criteria provided. Collection method: clinical testing. Allele origin: germline. Not counted in ClinVar's aggregate classification.
Comment: This variant is classified as likely benign based on ACMG/AMP sequence variant interpretation guidelines (Richards et al. 2015 PMID: 25741868, with internal and published modifications).